The following is an entry in ClinVar:

NM_002528.7(NTHL1):c.237G>A (p.Trp79Ter)

Gene: NTHL1 (nth like DNA glycosylase 1; minus strand). Cytogenetic location: 16p13.3.
Variant type: single nucleotide variant.
Coding change: c.237G>A on transcript NM_002528.7 (MANE Select); coding-DNA position 237, G replaced by A.
Protein change: p.Trp79Ter; replaces tryptophan 79 with a stop codon.
Molecular consequence: nonsense. On other transcripts: intron variant (1).
Genome position (GRCh38, 1-based): chr16:2,046,245, C>T on the plus strand (G>A on the coding strand, the complement: NTHL1 is on the minus strand). VCF-style: chr16-2046245-C-T. GRCh37 (hg19) VCF-style: chr16-2096246-C-T.
Other names: c.237G>A, p.Trp79Ter (NM_001318193.2); c.24+35G>A (NM_001318194.2); short protein forms W79*.
Identifiers: ClinVar variation 1441860 (VCV001441860.6), dbSNP rs2084374285, ClinGen allele CA394297266.

ClinVar aggregate classification (germline): Pathogenic (1 of 4 stars; one submission).

Submission:

Labcorp Genetics (formerly Invitae), Labcorp
Classification: Pathogenic. Last evaluated: 2024-10-07. Review status: criteria provided, single submitter. Criteria: Invitae Variant Classification Sherloc (09022015). Collection method: clinical testing. Allele origin: germline.
Comment: This sequence change creates a premature translational stop signal (p.Trp87*) in the NTHL1 gene. It is expected to result in an absent or disrupted protein product. Loss-of-function variants in NTHL1 are known to be pathogenic (PMID: 25938944, 26559593). This variant is not present in population databases (gnomAD no frequency). This variant has not been reported in the literature in individuals affected with NTHL1-related conditions. ClinVar contains an entry for this variant (Variation ID: 1441860). For these reasons, this variant has been classified as Pathogenic.

Literature cited by the submitters: PubMed 25938944; PubMed 26559593.